The following is an entry in ClinVar:

ClinVar aggregate classification (germline): Uncertain significance. Review status: criteria provided, multiple submitters, no conflicts (2 of 4 stars). 2 submissions from 2 submitters: Uncertain significance (2). Last evaluated 2024-03-18.

Conditions:
Inborn genetic diseases. Identifiers: MedGen C0950123, MeSH D030342.
RFT1-congenital disorder of glycosylation (CDG1N). Also called: CDG In; Congenital disorder of glycosylation type In; RFT1-CDG. Identifiers: Orphanet 244310, MedGen C2677590, MONDO:0012783, OMIM 612015.

Submissions (2):

Ambry Genetics
Classification: Uncertain significance for Inborn genetic diseases. Last evaluated: 2024-03-18. Review status: criteria provided, single submitter. Criteria: Ambry Variant Classification Scheme 2023. Collection method: clinical testing. Allele origin: germline.

Labcorp Genetics (formerly Invitae), Labcorp
Classification: Uncertain significance for RFT1-congenital disorder of glycosylation. Last evaluated: 2021-08-14. Review status: criteria provided, single submitter. Criteria: Invitae Variant Classification Sherloc (09022015). Collection method: clinical testing. Allele origin: germline.
Comment: This sequence change replaces threonine with isoleucine at codon 392 of the RFT1 protein (p.Thr392Ile). The threonine residue is moderately conserved and there is a moderate physicochemical difference between threonine and isoleucine. This variant is not present in population databases (ExAC no frequency). This variant has not been reported in the literature in individuals affected with RFT1-related conditions. Algorithms developed to predict the effect of missense changes on protein structure and function (SIFT, PolyPhen-2, Align-GVGD) all suggest that this variant is likely to be tolerated. In summary, the available evidence is currently insufficient to determine the role of this variant in disease. Therefore, it has been classified as a Variant of Uncertain Significance.

NM_052859.4(RFT1):c.1175C>T (p.Thr392Ile)

Gene: RFT1 (RFT1 glycolipid translocator homolog; minus strand). Cytogenetic location: 3p21.1.
Variant type: single nucleotide variant.
Coding change: c.1175C>T on transcript NM_052859.4 (MANE Select); coding-DNA position 1175, C replaced by T.
Protein change: p.Thr392Ile; replaces threonine 392 with isoleucine.
Molecular consequence: missense variant.
Genome position (GRCh38, 1-based): chr3:53,099,414, G>A on the plus strand (C>T on the coding strand, the complement: RFT1 is on the minus strand). VCF-style: chr3-53099414-G-A. GRCh37 (hg19) VCF-style: chr3-53133430-G-A.
Other names: c.1175C>T (NM_052859.3); short protein forms T392I.
Identifiers: ClinVar variation 1958433 (VCV001958433.3), dbSNP rs2470953678, ClinGen allele CA353228006.